The following is an entry in ClinVar:

NM_033100.4(CDHR1):c.439-17G>A

Gene: CDHR1 (cadherin related family member 1; plus strand). Cytogenetic location: 10q23.1.
Variant type: single nucleotide variant.
Coding change: c.439-17G>A on transcript NM_033100.4 (MANE Select); 17 bases into the intron before coding-DNA position 439, G replaced by A.
Molecular consequence: intron variant.
Genome position (GRCh38, 1-based): chr10:84,200,584, G>A. VCF-style: chr10-84200584-G-A. GRCh37 (hg19) VCF-style: chr10-85960340-G-A.
Other names: c.439-17G>A (NM_001171971.3).
Identifiers: ClinVar variation 1427918 (VCV001427918.8), dbSNP rs771510913, ClinGen allele CA5579537.
Genomic context (GRCh38, chr10:84,200,584, plus strand): 5'-GCATGCCCCTATGCCTCTGTCCCCCTGAGAATGCTGTCACTGTCTCTGACCCTCCCCTGT[G>A]GCTGTGACCCCCTCAGGACATACCTGCTGGGAGCATCATCTTTAAGGTCCATGCAGTGGA-3'

ClinVar aggregate classification (germline): Uncertain significance (1 of 4 stars; one submission).

Allele frequency attached by ClinVar (database versions not stated): gnomAD exomes below 0.00001 and 0.00001; gnomAD 0.00001; ExAC 0.00002.
gnomAD v4.1: 6 of 1,588,288 alleles (0.00038%); highest among the groups gnomAD compares: Non-Finnish European, 0.00052%; no homozygotes.

Submission:

Labcorp Genetics (formerly Invitae), Labcorp
Classification: Uncertain significance. Last evaluated: 2022-07-13. Review status: criteria provided, single submitter. Criteria: Invitae Variant Classification Sherloc (09022015). Collection method: clinical testing. Allele origin: germline.
Comment: Studies have shown that this variant results in the activation of a cryptic splice site in intron 5 (PMID: 27391102). ClinVar contains an entry for this variant (Variation ID: 1427918). This variant has been observed in individual(s) with inherited retinal dystrophy (PMID: 27391102). This variant is present in population databases (rs771510913, gnomAD 0.002%). This sequence change falls in intron 5 of the CDHR1 gene. It does not directly change the encoded amino acid sequence of the CDHR1 protein. RNA analysis indicates that this variant induces altered splicing and likely results in the gain of 15 amino acid residue(s), but is expected to preserve the integrity of the reading-frame. In summary, the available evidence is currently insufficient to determine the role of this variant in disease. Therefore, it has been classified as a Variant of Uncertain Significance.

Literature cited by the submitters: PubMed 27391102.